The following is an entry in ClinVar:

ClinVar aggregate classification (germline): Uncertain significance (1 of 4 stars; one submission).

Submission:

GeneDx
Classification: Uncertain significance. Last evaluated: 2023-12-12. Review status: criteria provided, single submitter. Criteria: GeneDx Variant Classification Process June 2021. Collection method: clinical testing. Allele origin: germline. Affected: yes.
Comment: Not observed at significant frequency in large population cohorts (gnomAD); In silico analysis supports that this missense variant has a deleterious effect on protein structure/function; Has not been previously published as pathogenic or benign to our knowledge

NM_016188.5(ACTL6B):c.227G>A (p.Arg76Gln)

Gene: ACTL6B (actin like 6B; minus strand). Cytogenetic location: 7q22.1.
Variant type: single nucleotide variant.
Coding change: c.227G>A on transcript NM_016188.5 (MANE Select); coding-DNA position 227, G replaced by A.
Protein change: p.Arg76Gln; replaces arginine 76 with glutamine.
Molecular consequence: missense variant. On other transcripts: non-coding transcript variant (1).
Genome position (GRCh38, 1-based): chr7:100,655,462, C>T on the plus strand (G>A on the coding strand, the complement: ACTL6B is on the minus strand). VCF-style: chr7-100655462-C-T. GRCh37 (hg19) VCF-style: chr7-100253085-C-T.
Other names: short protein forms R76Q.
Identifiers: ClinVar variation 3365584 (VCV003365584.1).
Genomic context (GRCh38, chr7:100,655,462, plus strand): 5'-ATGGGTGGGGGCCCCTTACTCATGCCATTCTTGAGGGGCGACATGACCTCCGCTCCATCC[C>T]GAGGCACGTGCAGGGCATTGGTGTCGATGTGGAAGATCTTCCCTTTCTTCTCTTTGTCCC-3'
Protein context (NP_057272.1, residues 66-86): HIDTNALHVP[Arg76Gln]DGAEVMSPLK